The following is an entry in ClinVar:

ClinVar aggregate classification (germline): Uncertain significance (1 of 4 stars; one submission).

Allele frequency attached by ClinVar (database versions not stated): gnomAD exomes below 0.00001.
gnomAD v4.1: 2 of 1,613,422 alleles (0.00012%); highest among the groups gnomAD compares: Non-Finnish European, 0.00017%; no homozygotes.

Submission:

Labcorp Genetics (formerly Invitae), Labcorp
Classification: Uncertain significance. Last evaluated: 2023-07-22. Review status: criteria provided, single submitter. Criteria: Invitae Variant Classification Sherloc (09022015). Collection method: clinical testing. Allele origin: germline.
Comment: This variant has not been reported in the literature in individuals affected with ITGAM-related conditions. This sequence change replaces glutamine, which is neutral and polar, with arginine, which is basic and polar, at codon 490 of the ITGAM protein (p.Gln490Arg). This variant is not present in population databases (gnomAD no frequency). Algorithms developed to predict the effect of missense changes on protein structure and function output the following: SIFT: "Not Available"; PolyPhen-2: "Benign"; Align-GVGD: "Not Available". The arginine amino acid residue is found in multiple mammalian species, which suggests that this missense change does not adversely affect protein function. In summary, the available evidence is currently insufficient to determine the role of this variant in disease. Therefore, it has been classified as a Variant of Uncertain Significance.

NM_000632.4(ITGAM):c.1469A>G (p.Gln490Arg)

Gene: ITGAM (integrin subunit alpha M; plus strand). Cytogenetic location: 16p11.2.
Variant type: single nucleotide variant.
Coding change: c.1469A>G on transcript NM_000632.4 (MANE Select); coding-DNA position 1469, A replaced by G.
Protein change: p.Gln490Arg; replaces glutamine 490 with arginine.
Molecular consequence: missense variant.
Genome position (GRCh38, 1-based): chr16:31,297,626, A>G. VCF-style: chr16-31297626-A-G. GRCh37 (hg19) VCF-style: chr16-31308947-A-G.
Other names: c.1469A>G, p.Gln490Arg (NM_001145808.2); short protein forms Q490R.
Identifiers: ClinVar variation 2878264 (VCV002878264.3), dbSNP rs2544439544, ClinGen allele CA395669653.